The following is an entry in ClinVar:

ClinVar aggregate classification (germline): Uncertain significance. Review status: criteria provided, multiple submitters, no conflicts (2 of 4 stars). 2 submissions from 2 submitters: Uncertain significance (2). Last evaluated 2024-10-15.

Conditions:
Fanconi anemia (FA). Also called: Fanconi's anemia. Identifiers: Orphanet 84, MedGen C0015625, MeSH D005199, MONDO:0019391.

Allele frequency attached by ClinVar (database versions not stated): ExAC 0.00001; gnomAD exomes 0.00001; TOPMed 0.00001.
gnomAD v4.1: 4 of 1,613,824 alleles (0.00025%); highest among the groups gnomAD compares: South Asian, 0.0033%; no homozygotes.

Submissions (2):

Labcorp Genetics (formerly Invitae), Labcorp
Classification: Uncertain significance for Fanconi anemia. Last evaluated: 2024-10-15. Review status: criteria provided, single submitter. Criteria: Invitae Variant Classification Sherloc (09022015). Collection method: clinical testing. Allele origin: germline.
Comment: This sequence change replaces methionine, which is neutral and non-polar, with threonine, which is neutral and polar, at codon 774 of the FANCD2 protein (p.Met774Thr). This variant is present in population databases (rs773944524, gnomAD 0.006%). This variant has not been reported in the literature in individuals affected with FANCD2-related conditions. ClinVar contains an entry for this variant (Variation ID: 1903739). Invitae Evidence Modeling of protein sequence and biophysical properties (such as structural, functional, and spatial information, amino acid conservation, physicochemical variation, residue mobility, and thermodynamic stability) indicates that this missense variant is expected to disrupt FANCD2 protein function with a positive predictive value of 80%. In summary, the available evidence is currently insufficient to determine the role of this variant in disease. Therefore, it has been classified as a Variant of Uncertain Significance.

Blueprint Genetics
Classification: Uncertain significance. Last evaluated: 2021-09-22. Review status: criteria provided, single submitter. Criteria: ACMG Guidelines, 2015. Collection method: clinical testing. Allele origin: germline.

NM_001018115.3(FANCD2):c.2321T>C (p.Met774Thr)

Genes: FANCD2 (FA complementation group D2; plus strand), LOC107303338 (3p25 FANCD2 Alu-mediated recombination region; plus strand). Cytogenetic location: 3p25.3.
Variant type: single nucleotide variant.
Coding change: c.2321T>C on transcript NM_001018115.3 (MANE Select); coding-DNA position 2321, T replaced by C.
Protein change: p.Met774Thr; replaces methionine 774 with threonine.
Molecular consequence: missense variant.
Genome position (GRCh38, 1-based): chr3:10,065,915, T>C. VCF-style: chr3-10065915-T-C. GRCh37 (hg19) VCF-style: chr3-10107599-T-C.
Other names: c.2321T>C, p.Met774Thr (NM_001319984.2, NM_001374254.1, NM_033084.6); c.2210T>C, p.Met737Thr (NM_001374253.1); short protein forms M737T, M774T.
Identifiers: ClinVar variation 1903739 (VCV001903739.5), dbSNP rs773944524, ClinGen allele CA2250038.